The following is an entry in ClinVar:

ClinVar aggregate classification (germline): Pathogenic/Likely pathogenic. Review status: criteria provided, multiple submitters, no conflicts (2 of 4 stars). 2 submissions from 2 submitters: Pathogenic (1); Likely pathogenic (1). Last evaluated 2025-12-03.

Conditions:
COL1A1-related disorder. Also called: COL1A1-related condition; COL1A1- related disease.
Osteogenesis imperfecta (OI). Identifiers: Orphanet 666, MedGen C0029434, MeSH D010013, MONDO:0019019.

Submissions (2):

3billion
Classification: Pathogenic for COL1A1-related disorder. Last evaluated: 2025-12-03. Review status: criteria provided, single submitter. Criteria: ACMG Guidelines, 2015. Collection method: clinical testing. Allele origin: germline. Affected: yes.
Comment: The variant is not observed in the gnomAD v4.1.0 dataset. Predicted Consequence/Location: Canonical splice site: predicted to alter splicing and result in a loss or disruption of normal protein function. Multiple pathogenic loss-of-function variants are reported downstream of the variant. In silico tools predict the variant to alter splicing and produce an abnormal transcript [SpliceAI: 0.98 (spliceogenicity >=0.2, non-spliceogenicity <0.1)]. The variant has been reported to be associated with COL1A1-related disorder (ClinVar ID: VCV001701981 /PMID: 22206639). Therefore, this variant is classified as Pathogenic according to the recommendation of ACMG/AMP guideline.

Genome Diagnostics Laboratory, The Hospital for Sick Children
Classification: Likely pathogenic for Osteogenesis imperfecta. Last evaluated: 2019-04-01. Review status: criteria provided, single submitter. Criteria: ACMG Guidelines, 2015. Collection method: clinical testing. Allele origin: germline.

Literature cited by the submitters: PubMed 22206639 (cited by 3billion).

NM_000088.4(COL1A1):c.543+2T>C

Gene: COL1A1 (collagen type I alpha 1 chain; minus strand). Cytogenetic location: 17q21.33.
Variant type: single nucleotide variant.
Coding change: c.543+2T>C on transcript NM_000088.4 (MANE Select); the canonical splice donor site of the intron after coding-DNA position 543, T replaced by C.
Molecular consequence: splice donor variant.
Genome position (GRCh38, 1-based): chr17:50,198,431, A>G on the plus strand (T>C on the coding strand, the complement: COL1A1 is on the minus strand). VCF-style: chr17-50198431-A-G. GRCh37 (hg19) VCF-style: chr17-48275792-A-G.
Identifiers: ClinVar variation 1701981 (VCV001701981.4), dbSNP rs2144588834, ClinGen allele CA400225901.